The following is an entry in ClinVar:

ClinVar aggregate classification (germline): Benign (1 of 4 stars; one submission).

Conditions:
POLD1-related polyposis and colorectal cancer syndrome (CRCS10). Also called: Colorectal cancer 10; COLORECTAL CANCER, SUSCEPTIBILITY TO, ON CHROMOSOME 19q; Colorectal cancer, susceptibility to, 10. Identifiers: Orphanet 220460, MedGen C2675481, MONDO:0012953, OMIM 612591.

Submission:

Myriad Genetics, Inc.
Classification: Benign for POLD1-related polyposis and colorectal cancer syndrome. Last evaluated: 2025-02-05. Review status: criteria provided, single submitter. Criteria: Myriad Autosomal Dominant, Autosomal Recessive and X-Linked Classification Criteria (2023). Collection method: clinical testing. Allele origin: unknown.
Comment: This variant is considered benign. This variant is a silent/synonymous amino acid change and it is not expected to impact splicing.

NM_002691.4(POLD1):c.1236C>A (p.Thr412=)

Gene: POLD1 (DNA polymerase delta 1, catalytic subunit; plus strand). Cytogenetic location: 19q13.33.
Variant type: single nucleotide variant.
Coding change: c.1236C>A on transcript NM_002691.4 (MANE Select); coding-DNA position 1236, C replaced by A.
Protein change: p.Thr412=; no amino-acid change (threonine 412 retained).
Molecular consequence: synonymous variant. On other transcripts: non-coding transcript variant (1).
Genome position (GRCh38, 1-based): chr19:50,403,591, C>A. VCF-style: chr19-50403591-C-A. GRCh37 (hg19) VCF-style: chr19-50906848-C-A.
Other names: c.1236C>A, p.Thr412= (NM_001256849.1, NM_001308632.1).
Identifiers: ClinVar variation 3904162 (VCV003904162.1).